The following is an entry in ClinVar:

ClinVar aggregate classification (germline): Uncertain significance (1 of 4 stars; one submission).

Submission:

GeneDx
Classification: Uncertain significance. Last evaluated: 2024-01-17. Review status: criteria provided, single submitter. Criteria: GeneDx Variant Classification Process June 2021. Collection method: clinical testing. Allele origin: germline. Affected: yes.
Comment: Not observed at significant frequency in large population cohorts (gnomAD); In silico analysis supports that this missense variant has a deleterious effect on protein structure/function; Has not been previously published as pathogenic or benign to our knowledge

NM_001170629.2(CHD8):c.4157A>G (p.Asp1386Gly)

Gene: CHD8 (chromodomain helicase DNA binding protein 8; minus strand). Cytogenetic location: 14q11.2.
Variant type: single nucleotide variant.
Coding change: c.4157A>G on transcript NM_001170629.2 (MANE Select); coding-DNA position 4157, A replaced by G.
Protein change: p.Asp1386Gly; replaces aspartic acid 1386 with glycine.
Molecular consequence: missense variant.
Genome position (GRCh38, 1-based): chr14:21,401,419, T>C on the plus strand (A>G on the coding strand, the complement: CHD8 is on the minus strand). VCF-style: chr14-21401419-T-C. GRCh37 (hg19) VCF-style: chr14-21869578-T-C.
Other names: c.3320A>G, p.Asp1107Gly (NM_020920.4); short protein forms D1107G, D1386G.
Identifiers: ClinVar variation 3368091 (VCV003368091.1).